The following is an entry in ClinVar:

NM_001849.4(COL6A2):c.1815C>G (p.Cys605Trp)

Gene: COL6A2 (collagen type VI alpha 2 chain; plus strand). Cytogenetic location: 21q22.3.
Variant type: single nucleotide variant.
Coding change: c.1815C>G on transcript NM_001849.4 (MANE Select); coding-DNA position 1815, C replaced by G.
Protein change: p.Cys605Trp; replaces cysteine 605 with tryptophan.
Molecular consequence: missense variant.
Genome position (GRCh38, 1-based): chr21:46,125,310, C>G. VCF-style: chr21-46125310-C-G. GRCh37 (hg19) VCF-style: chr21-47545224-C-G.
Other names: c.1815C>G, p.Cys605Trp (NM_058174.3, NM_058175.3); short protein forms C605W.
Identifiers: ClinVar variation 2652799 (VCV002652799.24), dbSNP rs778401356, ClinGen allele CA410538026.
Genomic context (GRCh38, chr21:46,125,310, plus strand): 5'-GCCGTGTGCATTGCAGGAGTGTGACGTCATGACCTACGTGAGGGAGACCTGCGGGTGCTG[C>G]GGTGAGGCACTGCCCACGGCAGGGTCGGGGCCCATGCACCGGGTGGAGGGCGGGAGTGCA-3'
Protein context (NP_001840.3, residues 595-615): MTYVRETCGC[Cys605Trp]DCEKRCGALD

ClinVar aggregate classification (germline): Uncertain significance (1 of 4 stars; one submission).

gnomAD v4.1: 1 of 1,610,366 alleles (0.000062%); highest among the groups gnomAD compares: Non-Finnish European, 0.000085%; no homozygotes.

Submission:

CeGaT Center for Human Genetics Tuebingen
Classification: Uncertain significance. Last evaluated: 2023-04-01. Review status: criteria provided, single submitter. Criteria: CeGaT Center For Human Genetics Tuebingen Variant Classification Criteria Version 2. Collection method: clinical testing. Allele origin: germline. Affected: yes. Observed: 1 variant allele.
Comment: COL6A2: PM2, PP3